The following is an entry in ClinVar:

ClinVar aggregate classification (germline): Likely benign. Review status: criteria provided, multiple submitters, no conflicts (2 of 4 stars). 3 submissions from 3 submitters: Likely benign (2). 1 of the submissions does not count toward it. Last evaluated 2024-05-30.

Conditions:
APOL1-related disorder. Also called: APOL1-related condition.
Focal segmental glomerulosclerosis 4, susceptibility to (FSGS4). Identifiers: Orphanet 84271, MedGen C2675525, MONDO:0012931, OMIM 612551.

Allele frequency attached by ClinVar (database versions not stated): gnomAD 0.00004 and 0.00005; gnomAD exomes 0.00004 and 0.00005; TOPMed 0.00006; ExAC 0.00007; ESP Exome Variant Server 0.00008.
gnomAD v4.1: 72 of 1,604,586 alleles (0.0045%); highest among the groups gnomAD compares: Middle Eastern, 0.033%; no homozygotes.

Submissions (3):

Labcorp Genetics (formerly Invitae), Labcorp
Classification: Likely benign. Last evaluated: 2024-05-30. Review status: criteria provided, single submitter. Criteria: Invitae Variant Classification Sherloc (09022015). Collection method: clinical testing. Allele origin: germline.

Fulgent Genetics
Classification: Likely benign for Focal segmental glomerulosclerosis 4, susceptibility to. Last evaluated: 2021-10-10. Review status: criteria provided, single submitter. Criteria: ACMG Guidelines, 2015. Collection method: clinical testing. Allele origin: unknown.

PreventionGenetics, part of Exact Sciences
Classification: Likely benign for APOL1-related condition. Last evaluated: 2024-05-14. Review status: no assertion criteria provided. Collection method: clinical testing. Allele origin: germline. Not counted in ClinVar's aggregate classification.
Comment: This variant is classified as likely benign based on ACMG/AMP sequence variant interpretation guidelines (Richards et al. 2015 PMID: 25741868, with internal and published modifications).

NM_003661.4(APOL1):c.837T>C (p.Ile279=)

Gene: APOL1 (apolipoprotein L1; plus strand). Cytogenetic location: 22q12.3.
Variant type: single nucleotide variant.
Coding change: c.837T>C on transcript NM_003661.4 (MANE Select); coding-DNA position 837, T replaced by C.
Protein change: p.Ile279=; no amino-acid change (isoleucine 279 retained).
Molecular consequence: synonymous variant.
Genome position (GRCh38, 1-based): chr22:36,265,673, T>C. VCF-style: chr22-36265673-T-C. GRCh37 (hg19) VCF-style: chr22-36661719-T-C.
Other names: c.837T>C, p.Ile279= (NM_001136540.2); c.783T>C, p.Ile261= (NM_001136541.2, NM_001362927.2); c.885T>C, p.Ile295= (NM_145343.3); c.837T>C (NM_003661.3).
Identifiers: ClinVar variation 1669142 (VCV001669142.10), dbSNP rs371302335, ClinGen allele CA10208762.